The following is an entry in ClinVar:

NM_000208.4(INSR):c.*4474C>T

Gene: INSR (insulin receptor; minus strand). Cytogenetic location: 19p13.2.
Variant type: single nucleotide variant.
Coding change: c.*4474C>T on transcript NM_000208.4 (MANE Select); 4474 bases downstream of the stop codon, C replaced by T.
Molecular consequence: 3 prime UTR variant.
Genome position (GRCh38, 1-based): chr19:7,112,582, G>A on the plus strand (C>T on the coding strand, the complement: INSR is on the minus strand). VCF-style: chr19-7112582-G-A. GRCh37 (hg19) VCF-style: chr19-7112593-G-A.
Other names: c.*4474C>T (NM_001079817.3).
Identifiers: ClinVar variation 330348 (VCV000330348.6), dbSNP rs1052371, ClinGen allele CA10643362.

ClinVar aggregate classification (germline): Benign. Review status: criteria provided, multiple submitters, no conflicts (2 of 4 stars). 4 submissions from 2 submitters: Benign (4). Last evaluated 2018-01-12.

Conditions:
Leprechaunism syndrome. Also called: Donohue syndrome; LEPRECHAUNISM. Identifiers: Orphanet 508, MedGen C0265344, MONDO:0009517, OMIM 246200.
Rabson-Mendenhall syndrome. Also called: MENDENHALL SYNDROME; Pineal Hyperplasia, Insulin-Resistant Diabetes Mellitus, and Somatic Abnormalities; Pineal hyperplasia AND diabetes mellitus syndrome. Identifiers: Orphanet 769, MedGen C0271695, MONDO:0009874, OMIM 262190.
Insulin-resistant diabetes mellitus AND acanthosis nigricans. Also called: Insulin-resistance syndrome type A; INSULIN RECEPTOR, DEFECT IN, WITH INSULIN-RESISTANT DIABETES MELLITUS AND ACANTHOSIS NIGRICANS; IRAN, TYPE A; type A insulin resistance; DIABETES MELLITUS, INSULIN-RESISTANT, WITH ACANTHOSIS NIGRICANS, TYPE A. Identifiers: Orphanet 2297, MedGen C0342278, MONDO:0012520, OMIM 610549.

Allele frequency attached by ClinVar (database versions not stated): gnomAD 0.22677 and 0.22962; TOPMed 0.23467; 1000 Genomes Project 30x 0.30278; 1000 Genomes Project 0.30751; gnomAD exomes 0.37500.
gnomAD v4.1: 34,970 of 152,052 alleles (23%); highest among the groups gnomAD compares: East Asian, 42%; 4,655 homozygotes.

Submissions (4):

Illumina Laboratory Services, Illumina
Classification: Benign for Rabson-Mendenhall syndrome. Last evaluated: 2018-01-12. Review status: criteria provided, single submitter. Criteria: ICSL Variant Classification Criteria 13 December 2019. Collection method: clinical testing. Allele origin: germline.
Comment: This variant was observed in the ICSL laboratory as part of a predisposition screen in an ostensibly healthy population. It had not been previously curated by ICSL or reported in the Human Gene Mutation Database (HGMD: prior to June 1st, 2018), and was therefore a candidate for classification through an automated scoring system. Utilizing variant allele frequency, disease prevalence and penetrance estimates, and inheritance mode, an automated score was calculated to assess if this variant is too frequent to cause the disease. Based on the score and internal cut-off values, a variant classified as benign is not then subjected to further curation. The score for this variant resulted in a classification of benign for this disease.

Illumina Laboratory Services, Illumina
Classification: Benign for Insulin-resistant diabetes mellitus AND acanthosis nigricans. Last evaluated: 2018-01-12. Review status: criteria provided, single submitter. Criteria: ICSL Variant Classification Criteria 13 December 2019. Collection method: clinical testing. Allele origin: germline.
Comment: the same text as in the submission from Illumina Laboratory Services, Illumina above.

Illumina Laboratory Services, Illumina
Classification: Benign for Leprechaunism syndrome. Last evaluated: 2018-01-12. Review status: criteria provided, single submitter. Criteria: ICSL Variant Classification Criteria 13 December 2019. Collection method: clinical testing. Allele origin: germline.
Comment: the same text as in the submission from Illumina Laboratory Services, Illumina above.

Breakthrough Genomics
Classification: Benign. Review status: criteria provided, single submitter. Criteria: ACMG Guidelines, 2015. Collection method: not provided. Allele origin: germline. Inheritance: Autosomal recessive inheritance. Affected: yes.